The following is an entry in ClinVar:

ClinVar aggregate classification (germline): Likely benign. Review status: criteria provided, multiple submitters, no conflicts (2 of 4 stars). 2 submissions from 2 submitters: Likely benign (2). Last evaluated 2023-03-01.

Allele frequency attached by ClinVar (database versions not stated): gnomAD exomes 0.00255 and 0.00426; gnomAD 0.00263 and 0.00270; TOPMed 0.00263; 1000 Genomes Project 30x 0.00156; 1000 Genomes Project 0.00180; ExAC 0.00242; ESP Exome Variant Server 0.00392.
gnomAD v4.1: 6,570 of 1,613,038 alleles (0.41%); highest among the groups gnomAD compares: Non-Finnish European, 0.5%; 15 homozygotes.

Submissions (2):

CeGaT Center for Human Genetics Tuebingen
Classification: Likely benign. Last evaluated: 2023-03-01. Review status: criteria provided, single submitter. Criteria: CeGaT Center For Human Genetics Tuebingen Variant Classification Criteria Version 2. Collection method: clinical testing. Allele origin: germline. Affected: yes. Observed: 1 variant allele.
Comment: RTN4: BS2

Labcorp Genetics (formerly Invitae), Labcorp
Classification: Likely benign. Last evaluated: 2019-12-31. Review status: criteria provided, single submitter. Criteria: Invitae Variant Classification Sherloc (09022015). Collection method: clinical testing. Allele origin: germline.

NM_020532.5(RTN4):c.3209G>C (p.Gly1070Ala)

Gene: RTN4 (reticulon 4; minus strand). Cytogenetic location: 2p16.1.
Variant type: single nucleotide variant.
Coding change: c.3209G>C on transcript NM_020532.5 (MANE Select); coding-DNA position 3209, G replaced by C.
Protein change: p.Gly1070Ala; replaces glycine 1070 with alanine.
Molecular consequence: missense variant. On other transcripts: non-coding transcript variant (2).
Genome position (GRCh38, 1-based): chr2:54,987,503, C>G on the plus strand (G>C on the coding strand, the complement: RTN4 is on the minus strand). VCF-style: chr2-54987503-C-G. GRCh37 (hg19) VCF-style: chr2-55214639-C-G.
Other names: c.2591G>C, p.Gly864Ala (NM_001321859.2, NM_001321860.1, NM_001321861.2 and 4 more transcripts); c.230G>C, p.Gly77Ala (NM_007008.3); c.752G>C, p.Gly251Ala (NM_153828.3); c.809G>C, p.Gly270Ala (NM_207520.2); short protein forms G251A, G77A, G864A, G1070A, G270A.
Identifiers: ClinVar variation 774406 (VCV000774406.28), dbSNP rs11549898, ClinGen allele CA1663010.